The following is an entry in ClinVar:

ClinVar aggregate classification (germline): Uncertain significance. Review status: criteria provided, multiple submitters, no conflicts (2 of 4 stars). 2 submissions from 2 submitters: Uncertain significance (2). Last evaluated 2026-01-12.

Conditions:
Inborn genetic diseases. Identifiers: MedGen C0950123, MeSH D030342.

gnomAD v4.1: 24 of 1,613,736 alleles (0.0015%); highest among the groups gnomAD compares: African/African-American, 0.027%; no homozygotes.

Submissions (2):

GeneDx
Classification: Uncertain significance. Last evaluated: 2026-01-12. Review status: criteria provided, single submitter. Criteria: GeneDx Variant Classification Process June 2021. Collection method: clinical testing. Allele origin: germline.
Comment: In silico analysis suggests that this missense variant does not alter protein structure/function; Has not been previously published as pathogenic or benign to our knowledge

Ambry Genetics
Classification: Uncertain significance for Inborn genetic diseases. Last evaluated: 2025-10-29. Review status: criteria provided, single submitter. Criteria: Ambry Variant Classification Scheme 2023. Collection method: clinical testing. Allele origin: germline.

NM_144672.4(OTOA):c.194C>A (p.Thr65Lys)

Gene: OTOA (otoancorin). Cytogenetic location: 16p12.2.
Variant type: single nucleotide variant.
Coding change: c.194C>A on transcript NM_144672.4 (MANE Select); coding-DNA position 194, C replaced by A.
Protein change: p.Thr65Lys; replaces threonine 65 with lysine.
Molecular consequence: missense variant.
Genome position (GRCh38, 1-based): chr16:21,681,752, C>A. VCF-style: chr16-21681752-C-A. GRCh37 (hg19) VCF-style: chr16-21693073-C-A.
Other names: short protein forms T65K.
Identifiers: ClinVar variation 3766263 (VCV003766263.3).
Genomic context (GRCh38, chr16:21,681,752, plus strand): 5'-GGAGAATCTGTCATTGTGATCTTTTCCTGTCTGTCTTCAACTGAAGCTCCCACGTGTGGA[C>A]GGATGACCTGTCCCACAGAGTCCTGGCCTATCTGAATTCCCGGAATGTTGCCTTCACCAT-3'
Protein context (NP_653273.3, residues 55-75): LIQFQSSHVW[Thr65Lys]DDLSHRVLAY